The following is an entry in ClinVar:

ClinVar aggregate classification (germline): Uncertain significance (1 of 4 stars; one submission).

Conditions:
Multiple endocrine neoplasia, type 1 (MEN1). Also called: MEN I; WERMER SYNDROME; Endocrine adenomatosis multiple; MEN 1; MEA I. Identifiers: Orphanet 652, MedGen C0025267, MeSH D018761, MONDO:0007540, OMIM 131100.

Submission:

Labcorp Genetics (formerly Invitae), Labcorp
Classification: Uncertain significance for Multiple endocrine neoplasia, type 1. Last evaluated: 2024-03-27. Review status: criteria provided, single submitter. Criteria: Invitae Variant Classification Sherloc (09022015). Collection method: clinical testing. Allele origin: germline.
Comment: This sequence change replaces arginine, which is basic and polar, with leucine, which is neutral and non-polar, at codon 355 of the MEN1 protein (p.Arg355Leu). This variant is not present in population databases (gnomAD no frequency). This variant has not been reported in the literature in individuals affected with MEN1-related conditions. Advanced modeling of protein sequence and biophysical properties (such as structural, functional, and spatial information, amino acid conservation, physicochemical variation, residue mobility, and thermodynamic stability) performed at Invitae indicates that this missense variant is expected to disrupt MEN1 protein function with a positive predictive value of 95%. In summary, the available evidence is currently insufficient to determine the role of this variant in disease. Therefore, it has been classified as a Variant of Uncertain Significance.

NM_001370259.2(MEN1):c.1064G>T (p.Arg355Leu)

Gene: MEN1 (menin 1; minus strand). Cytogenetic location: 11q13.1.
Variant type: single nucleotide variant.
Coding change: c.1064G>T on transcript NM_001370259.2 (MANE Select); coding-DNA position 1064, G replaced by T.
Protein change: p.Arg355Leu; replaces arginine 355 with leucine.
Molecular consequence: missense variant. On other transcripts: non-coding transcript variant (4).
Genome position (GRCh38, 1-based): chr11:64,805,756, C>A on the plus strand (G>T on the coding strand, the complement: MEN1 is on the minus strand). VCF-style: chr11-64805756-C-A. GRCh37 (hg19) VCF-style: chr11-64573228-C-A.
Other names: c.1079G>T, p.Arg360Leu (NM_000244.4, NM_001407145.1, NM_130800.3 and 4 more transcripts); c.1190G>T, p.Arg397Leu (NM_001370251.2, NM_001407142.1, NM_001407143.1 and 1 more transcripts); c.1064G>T, p.Arg355Leu (NM_001370260.2, NM_001370261.2, NM_001407146.1 and 3 more transcripts); c.959G>T, p.Arg320Leu (NM_001370262.2, NM_001370263.2, NM_001407148.1 and 1 more transcripts); c.1205G>T, p.Arg402Leu (NM_001407150.1); c.1085G>T, p.Arg362Leu (NM_001407151.1); short protein forms R402L, R360L, R320L, R355L, R362L, R397L.
Identifiers: ClinVar variation 3634195 (VCV003634195.2).